The following is an entry in ClinVar:

NM_001360.3(DHCR7):c.947A>G (p.Tyr316Cys)

Gene: DHCR7 (7-dehydrocholesterol reductase; minus strand). Cytogenetic location: 11q13.4.
Variant type: single nucleotide variant.
Coding change: c.947A>G on transcript NM_001360.3 (MANE Select); coding-DNA position 947, A replaced by G.
Protein change: p.Tyr316Cys; replaces tyrosine 316 with cysteine.
Molecular consequence: missense variant.
Genome position (GRCh38, 1-based): chr11:71,437,828, T>C on the plus strand (A>G on the coding strand, the complement: DHCR7 is on the minus strand). VCF-style: chr11-71437828-T-C. GRCh37 (hg19) VCF-style: chr11-71148874-T-C.
Other names: c.947A>G, p.Tyr316Cys (NM_001163817.2); short protein forms Y316C.
Identifiers: ClinVar variation 594095 (VCV000594095.9), dbSNP rs754992933, ClinGen allele CA6162400.
Genomic context (GRCh38, chr11:71,437,828, plus strand): 5'-GTCTGCCAAATGCCCCGCTGGGCCAGCTCTGCCCACCTCCTCACCTGCAGCGTGTAAAGA[T>C]AAGGCAGCCAGACACAGTCGCCCCAGCCCAGGTACCACCCGAAGTGGTCATGGCAGATGT-3'
Protein context (NP_001351.2, residues 306-326): LGWGDCVWLP[Tyr316Cys]LYTLQGLYLV

ClinVar aggregate classification (germline): Uncertain significance. Review status: criteria provided, multiple submitters, no conflicts (2 of 4 stars). 3 submissions from 3 submitters: Uncertain significance (3). Last evaluated 2024-12-09.

Conditions:
Smith-Lemli-Opitz syndrome (SLOS). Also called: POLYDACTYLY, SEX REVERSAL, RENAL HYPOPLASIA, AND UNILOBAR LUNG; RSH SYNDROME; RUTLEDGE LETHAL MULTIPLE CONGENITAL ANOMALY SYNDROME; LETHAL ACRODYSGENITAL SYNDROME; 7-Dehydrocholesterol reductase deficiency. Identifiers: Orphanet 818, MedGen C0175694, MONDO:0010035, OMIM 270400.

Allele frequency attached by ClinVar (database versions not stated): ExAC 0.00001; gnomAD 0.00001; gnomAD exomes 0.00001.
gnomAD v4.1: 23 of 1,613,792 alleles (0.0014%); highest among the groups gnomAD compares: Middle Eastern, 0.016%; no homozygotes.

Submissions (3):

Labcorp Genetics (formerly Invitae), Labcorp
Classification: Uncertain significance for Smith-Lemli-Opitz syndrome. Last evaluated: 2024-12-09. Review status: criteria provided, single submitter. Criteria: Invitae Variant Classification Sherloc (09022015). Collection method: clinical testing. Allele origin: germline.
Comment: This sequence change replaces tyrosine, which is neutral and polar, with cysteine, which is neutral and slightly polar, at codon 316 of the DHCR7 protein (p.Tyr316Cys). This variant is present in population databases (rs754992933, gnomAD 0.003%). This variant has not been reported in the literature in individuals affected with DHCR7-related conditions. ClinVar contains an entry for this variant (Variation ID: 594095). Invitae Evidence Modeling of protein sequence and biophysical properties (such as structural, functional, and spatial information, amino acid conservation, physicochemical variation, residue mobility, and thermodynamic stability) indicates that this missense variant is expected to disrupt DHCR7 protein function with a positive predictive value of 95%. In summary, the available evidence is currently insufficient to determine the role of this variant in disease. Therefore, it has been classified as a Variant of Uncertain Significance.

Fulgent Genetics
Classification: Uncertain significance for Smith-Lemli-Opitz syndrome. Last evaluated: 2021-09-29. Review status: criteria provided, single submitter. Criteria: ACMG Guidelines, 2015. Collection method: clinical testing. Allele origin: unknown.

Eurofins Ntd Llc (ga)
Classification: Uncertain significance. Last evaluated: 2017-09-15. Review status: criteria provided, single submitter. Criteria: EGL Classification Definitions 2015. Collection method: clinical testing. Allele origin: germline. Observed: 1 variant allele, 1 heterozygote.